The following is an entry in ClinVar:

NM_006379.5(SEMA3C):c.802-9T>C

Gene: SEMA3C (semaphorin 3C; minus strand). Cytogenetic location: 7q21.11.
Variant type: single nucleotide variant.
Coding change: c.802-9T>C on transcript NM_006379.5 (MANE Select); 9 bases into the intron before coding-DNA position 802, T replaced by C.
Molecular consequence: intron variant.
Genome position (GRCh38, 1-based): chr7:80,802,788, A>G on the plus strand (T>C on the coding strand, the complement: SEMA3C is on the minus strand). VCF-style: chr7-80802788-A-G. GRCh37 (hg19) VCF-style: chr7-80432104-A-G.
Other names: c.856-9T>C (NM_001350120.2); c.628-9T>C (NM_001350121.2).
Identifiers: ClinVar variation 3357224 (VCV003357224.1).

ClinVar aggregate classification (germline): Likely benign (0 of 4 stars; one submission).

Conditions:
SEMA3C-related disorder. Also called: SEMA3C-related condition.

gnomAD v4.1: 1 of 1,594,956 alleles (0.000063%); highest among the groups gnomAD compares: Non-Finnish European, 0.000086%; no homozygotes.

Submission:

PreventionGenetics, part of Exact Sciences
Classification: Likely benign for SEMA3C-related condition. Last evaluated: 2021-07-07. Review status: no assertion criteria provided. Collection method: clinical testing. Allele origin: germline.
Comment: This variant is classified as likely benign based on ACMG/AMP sequence variant interpretation guidelines (Richards et al. 2015 PMID: 25741868, with internal and published modifications).